The following is an entry in ClinVar:

ClinVar aggregate classification (germline): Uncertain significance (1 of 4 stars; one submission).

gnomAD v4.1: 1 of 1,588,448 alleles (0.000063%); highest among the groups gnomAD compares: South Asian, 0.0011%; no homozygotes.

Submission:

Ambry Genetics
Classification: Uncertain significance. Last evaluated: 2026-01-18. Review status: criteria provided, single submitter. Criteria: Ambry Variant Classification Scheme 2023. Collection method: clinical testing. Allele origin: germline.
Comment: The p.W547C variant (also known as c.1641G>T), located in coding exon 7 of the WNK2 gene, results from a G to T substitution at nucleotide position 1641. The tryptophan at codon 547 is replaced by cysteine, an amino acid with highly dissimilar properties. This amino acid position is conserved. In addition, this alteration is predicted to be tolerated by in silico analysis. Based on the available evidence, the clinical significance of this variant remains unclear.

NM_006648.4(WNK2):c.1641G>T (p.Trp547Cys)

Gene: WNK2 (WNK lysine deficient protein kinase 2; plus strand). Cytogenetic location: 9q22.31.
Variant type: single nucleotide variant.
Coding change: c.1641G>T on transcript NM_006648.4 (MANE Select); coding-DNA position 1641, G replaced by T.
Protein change: p.Trp547Cys; replaces tryptophan 547 with cysteine.
Molecular consequence: missense variant.
Genome position (GRCh38, 1-based): chr9:93,247,641, G>T. VCF-style: chr9-93247641-G-T. GRCh37 (hg19) VCF-style: chr9-96009923-G-T.
Other names: c.1641G>T, p.Trp547Cys (NM_001282394.3); short protein forms W547C.
Identifiers: ClinVar variation 4844861 (VCV004844861.1).